The following is an entry in ClinVar:

ClinVar aggregate classification (germline): Uncertain significance (1 of 4 stars; one submission).

Submission:

GeneDx
Classification: Uncertain significance. Last evaluated: 2023-10-19. Review status: criteria provided, single submitter. Criteria: GeneDx Variant Classification Process June 2021. Collection method: clinical testing. Allele origin: germline. Affected: yes.
Comment: Not observed at significant frequency in large population cohorts (gnomAD); Has not been previously published as pathogenic or benign to our knowledge; In silico analysis is inconclusive as to whether the variant alters gene splicing. In the absence of RNA/functional studies, the actual effect of this sequence change is unknown.

NM_182925.5(FLT4):c.3432-13C>A

Gene: FLT4 (fms related receptor tyrosine kinase 4; minus strand). Cytogenetic location: 5q35.3.
Variant type: single nucleotide variant.
Coding change: c.3432-13C>A on transcript NM_182925.5 (MANE Select); 13 bases into the intron before coding-DNA position 3432, C replaced by A.
Molecular consequence: intron variant.
Genome position (GRCh38, 1-based): chr5:180,612,624, G>T on the plus strand (C>A on the coding strand, the complement: FLT4 is on the minus strand). VCF-style: chr5-180612624-G-T. GRCh37 (hg19) VCF-style: chr5-180039624-G-T.
Other names: c.3432-13C>A (NM_001354989.2, NM_002020.5).
Identifiers: ClinVar variation 3366209 (VCV003366209.1).